The following is an entry in ClinVar:

NM_058216.3(RAD51C):c.1008A>G (p.Thr336=)

Gene: RAD51C (RAD51 paralog C; plus strand). Cytogenetic location: 17q22.
Variant type: single nucleotide variant.
Coding change: c.1008A>G on transcript NM_058216.3 (MANE Select); coding-DNA position 1008, A replaced by G.
Protein change: p.Thr336=; no amino-acid change (threonine 336 retained).
Molecular consequence: synonymous variant. On other transcripts: non-coding transcript variant (1).
Genome position (GRCh38, 1-based): chr17:58,732,526, A>G. VCF-style: chr17-58732526-A-G. GRCh37 (hg19) VCF-style: chr17-56809887-A-G.
Identifiers: ClinVar variation 480498 (VCV000480498.24), dbSNP rs1057521598, ClinGen allele CA400365093.

ClinVar aggregate classification (germline): Conflicting classifications of pathogenicity. Review status: criteria provided, conflicting classifications (1 of 4 stars). 9 submissions from 9 submitters: Uncertain significance (3); Benign (2); Likely benign (3). 1 of the submissions does not count toward it. Last evaluated 2025-12-18.

Conditions:
Familial ovarian cancer. Identifiers: MedGen C5679802, MONDO:0016248.
Hereditary cancer-predisposing syndrome. Also called: Hereditary neoplastic syndrome; Neoplastic Syndromes, Hereditary; Tumor predisposition; Hereditary Cancer Syndrome. Identifiers: Orphanet 140162, MedGen C0027672, MeSH D009386, MONDO:0015356.
Fanconi anemia complementation group O. Also called: RAD51C-Related Fanconi Anemia. Identifiers: Orphanet 84, MedGen C3150653, MONDO:0013248, OMIM 613390.
Breast-ovarian cancer, familial, susceptibility to, 3. Also called: RAD51C-Related Breast/Ovarian Cancer. Identifiers: Orphanet 145, MedGen C3150659, MONDO:0013253, OMIM 613399.
Malignant tumor of breast. Also called: Malignant breast neoplasm; Cancer breast. Identifiers: MedGen C0006142, MONDO:0007254. Disease mechanism: loss of function.

Allele frequency attached by ClinVar (database versions not stated): gnomAD exomes below 0.00001; gnomAD 0.00001.
gnomAD v4.1: 4 of 1,613,280 alleles (0.00025%); highest among the groups gnomAD compares: Middle Eastern, 0.017%; no homozygotes.

Submissions (9):

Labcorp Genetics (formerly Invitae), Labcorp
Classification: Likely benign for Fanconi anemia complementation group O. Last evaluated: 2025-12-18. Review status: criteria provided, single submitter. Criteria: Invitae Variant Classification Sherloc (09022015). Collection method: clinical testing. Allele origin: germline.

Molecular Pathology, Peter Maccallum Cancer Centre
Classification: Uncertain significance for Familial ovarian cancer. Last evaluated: 2025-04-01. Review status: criteria provided, single submitter. Criteria: ACMG Guidelines, 2015. Collection method: clinical testing. Allele origin: germline. Inheritance: Autosomal dominant inheritance.

Myriad Genetics, Inc.
Classification: Benign for Breast-ovarian cancer, familial, susceptibility to, 3. Last evaluated: 2025-02-19. Review status: criteria provided, single submitter. Criteria: Myriad Autosomal Dominant, Autosomal Recessive and X-Linked Classification Criteria (2023). Collection method: clinical testing. Allele origin: unknown.
Comment: This variant is considered benign. This variant is a silent/synonymous amino acid change and it is not expected to impact splicing.

KCCC/NGS Laboratory, Kuwait Cancer Control Center
Classification: Benign for Breast-ovarian cancer, familial, susceptibility to, 3. Last evaluated: 2025-02-01. Review status: criteria provided, single submitter. Criteria: ACMG Guidelines, 2015. Collection method: clinical testing. Allele origin: germline. Affected: no.

St. Jude Molecular Pathology, St. Jude Children's Research Hospital
Classification: Uncertain significance for Breast-ovarian cancer, familial, susceptibility to, 3. Last evaluated: 2022-09-01. Review status: criteria provided, single submitter. Criteria: St. Jude Assertion Criteria 2020. Collection method: clinical testing. Allele origin: germline.
Comment: The RAD51C c.1008A>G (p.Thr336=) synonymous change is absent in gnomAD v2.1.1. Algorithms that predict the impact of sequence changes on splicing indicate that this change may activate a cryptic donor splice site. RNA data supports this prediction and desmontrates alternative splicing that results in the removal of six amino acids in exon 8 while preserving the reading frame (internal data). This variant is absent in a database of women older than 70 years of age who have never had cancer. To our knowledge, this variant has not been reported in the literature in individuals with hereditary breast and ovarian cancer syndrome or Fanconi anemia. In summary, the evidence currently available is insufficient to determine the clinical significance of this variant. It has therefore been classified as of uncertain significance.

GeneDx
Classification: Uncertain significance. Last evaluated: 2021-04-15. Review status: criteria provided, single submitter. Criteria: GeneDx Variant Classification Process June 2021. Collection method: clinical testing. Allele origin: germline. Affected: yes.
Comment: Not observed in large population cohorts (Lek et al., 2016); Has not been previously published as pathogenic or benign to our knowledge; In silico analysis, which includes splice predictors and evolutionary conservation, suggests this variant may impact gene splicing. In the absence of RNA/functional studies, the actual effect of this sequence change is unknown.

Color Diagnostics, LLC DBA Color Health
Classification: Likely benign for Hereditary cancer-predisposing syndrome. Last evaluated: 2018-07-17. Review status: criteria provided, single submitter. Criteria: ACMG Guidelines, 2015. Collection method: clinical testing. Allele origin: germline.

Ambry Genetics
Classification: Likely benign for Hereditary cancer-predisposing syndrome. Last evaluated: 2016-03-18. Review status: criteria provided, single submitter. Criteria: Ambry Variant Classification Scheme 2023. Collection method: clinical testing. Allele origin: germline.

Department of Pathology and Laboratory Medicine, Sinai Health System
Classification: Uncertain significance for Malignant tumor of breast. Review status: no assertion criteria provided. Collection method: clinical testing. Allele origin: unknown. Affected: yes. Study: The Canadian Open Genetics Repository (COGR). Not counted in ClinVar's aggregate classification.
Comment: The RAD51C p.Thr336= variant was not identified in the literature nor was it identified in the following databases: dbSNP, Cosmic, MutDB, or LOVD 3.0. The variant was identified in ClinVar (classified as likely benign by Ambry Genetics and Invitae). The variant was not identified in the Exome Aggregation Consortium (August 8th 2016), or the Genome Aggregation Database (Feb 27, 2017). The p.Thr336= variant is not expected to have clinical significance because it does not result in a change of amino acid and is not located in a known consensus splice site. The variant occurs outside of the splicing consensus sequence, although 1 of 4 in silico or computational prediction software programs (SpliceSiteFinder, MaxEntScan, NNSPLICE, GeneSplicer) predict a greater than 10% difference in splicing; this is not very predictive of pathogenicity. In summary, based on the above information, the clinical significance of this variant cannot be determined with certainty at this time. This variant is classified as a variant of uncertain significance.

Literature cited by the submitters: PubMed 32885271 (cited by Ambry Genetics).